The following is an entry in ClinVar:

NM_002137.4(HNRNPA2B1):c.625CCAGGA[1] (p.209PG[1])

Gene: HNRNPA2B1 (heterogeneous nuclear ribonucleoprotein A2/B1; minus strand). Cytogenetic location: 7p15.2.
Variant type: Microsatellite.
Coding change: c.625CCAGGA[1] on transcript NM_002137.4 (MANE Select); one copy of the 6-base unit CCAGGA starting at c.625; the reference has two copies in a row; one copy, 6 bases deleted.
Protein change: p.209PG[1].
Molecular consequence: inframe deletion. On other transcripts: inframe indel (1).
Genome position (GRCh38, 1-based): chr7:26,196,423-26,196,428, TCCTGG deleted on the plus strand (CCAGGA on the coding strand, the reverse complement: HNRNPA2B1 is on the minus strand); deleting any 6 consecutive bases within chr7:26,196,423-26,196,437 gives the same sequence; the position shown is the placement nearest the transcript's 3' end. VCF-style (leftmost placement, unchanged base first): chr7-26196422-TTCCTGG-T. GRCh37 (hg19) VCF-style: chr7-26236042-TTCCTGG-T.
Other names: c.658_663GGACCA[1], p.Pro223_Gly224del (NM_031243.4).
Identifiers: ClinVar variation 1512360 (VCV001512360.10), dbSNP rs756044930, ClinGen allele CA4194565.
Genomic context (GRCh38, chr7:26,196,422, plus strand): 5'-GCACACTCATCCTTTAAACACGTAGAACTTGAAACTCACCAGATCCTCCTCTAAAGTTAC[TTCCTGG>T]TCCTGGTCCGAAATTTCCACCGCCACCACGTGAATCCCCAAAGCCAAAGTTGCCTACAAT-3'

ClinVar aggregate classification (germline): Uncertain significance. Review status: criteria provided, single submitter (1 of 4 stars). 2 submissions from 2 submitters: Uncertain significance (1). 1 of the submissions does not count toward it. Last evaluated 2025-06-24.

Conditions:
HNRNPA2B1-related disorder. Also called: HNRNPA2B1-related condition.
Inclusion body myopathy with early-onset Paget disease with or without frontotemporal dementia 2 (IBMPFD2). Also called: MULTISYSTEM PROTEINOPATHY 2. Identifiers: MedGen C3809468, MONDO:0014178, OMIM 615422.

Submissions (2):

Labcorp Genetics (formerly Invitae), Labcorp
Classification: Uncertain significance for Inclusion body myopathy with early-onset Paget disease with or without frontotemporal dementia 2. Last evaluated: 2025-06-24. Review status: criteria provided, single submitter. Criteria: Invitae Variant Classification Sherloc (09022015). Collection method: clinical testing. Allele origin: germline.
Comment: This variant, c.667_672del, results in the deletion of 2 amino acid(s) of the HNRNPA2B1 protein (p.Pro223_Gly224del), but otherwise preserves the integrity of the reading frame. This variant is present in population databases (rs756044930, gnomAD 0.006%). This variant has been observed in individual(s) with inclusion body myopathy (internal data). Experimental studies and prediction algorithms are not available or were not evaluated, and the functional significance of this variant is currently unknown. In summary, the available evidence is currently insufficient to determine the role of this variant in disease. Therefore, it has been classified as a Variant of Uncertain Significance.

PreventionGenetics, part of Exact Sciences
Classification: Uncertain significance for HNRNPA2B1-related condition. Last evaluated: 2024-01-24. Review status: no assertion criteria provided. Collection method: clinical testing. Allele origin: germline. Not counted in ClinVar's aggregate classification.
Comment: The HNRNPA2B1 c.667_672del6 variant is predicted to result in an in-frame deletion (p.Pro223_Gly224del). To our knowledge, this variant has not been reported in the literature. This variant is reported in 0.0058% of alleles in individuals of Latino descent in gnomAD. At this time, the clinical significance of this variant is uncertain due to the absence of conclusive functional and genetic evidence.